The following is an entry in ClinVar:

ClinVar aggregate classification (germline): Benign (1 of 4 stars; one submission).

Conditions:
Oligodontia-cancer predisposition syndrome. Also called: TOOTH AGENESIS-COLORECTAL CANCER SYNDROME. Identifiers: Orphanet 300576, MedGen C1837750, MONDO:0012075, OMIM 608615. Disease mechanism: loss of function.

Submission:

Myriad Genetics, Inc.
Classification: Benign for Oligodontia-cancer predisposition syndrome. Last evaluated: 2024-07-10. Review status: criteria provided, single submitter. Criteria: Myriad Autosomal Dominant, Autosomal Recessive and X-Linked Classification Criteria (2023). Collection method: clinical testing. Allele origin: unknown.
Comment: This variant is considered benign. This variant is a silent/synonymous amino acid change and it is not expected to impact splicing.

NM_004655.4(AXIN2):c.2208C>A (p.Pro736=)

Gene: AXIN2 (axin 2; minus strand). Cytogenetic location: 17q24.1.
Variant type: single nucleotide variant.
Coding change: c.2208C>A on transcript NM_004655.4 (MANE Select); coding-DNA position 2208, C replaced by A.
Protein change: p.Pro736=; no amino-acid change (proline 736 retained).
Molecular consequence: synonymous variant.
Genome position (GRCh38, 1-based): chr17:65,535,655, G>T on the plus strand (C>A on the coding strand, the complement: AXIN2 is on the minus strand). VCF-style: chr17-65535655-G-T. GRCh37 (hg19) VCF-style: chr17-63531773-G-T.
Other names: c.2013C>A, p.Pro671= (NM_001363813.1).
Identifiers: ClinVar variation 3379227 (VCV003379227.1).
Genomic context (GRCh38, chr17:65,535,655, plus strand): 5'-GATCTCAGTAATGTCAGGTAAAGACACTCACTCTTCTGGAGCCAGGCTTGGATTGGAGAA[G>T]GGTGTGGCTCCCGTCTGAACAGTGGCCGAATGATTCCTGTCCCTCTGCTGACTGGCCACA-3'
Protein context (NP_004646.3, residues 726-746): HSATVQTGAT[Pro736=]FSNPSLAPED